The following is an entry in ClinVar:

NM_000059.4(BRCA2):c.7976+3A>T

Gene: BRCA2 (BRCA2 DNA repair associated; plus strand). Cytogenetic location: 13q13.1.
Variant type: single nucleotide variant.
Coding change: c.7976+3A>T on transcript NM_000059.4 (MANE Select); 3 bases into the intron after coding-DNA position 7976, A replaced by T.
Molecular consequence: intron variant.
Genome position (GRCh38, 1-based): chr13:32,362,696, A>T. VCF-style: chr13-32362696-A-T. GRCh37 (hg19) VCF-style: chr13-32936833-A-T.
Other names: c.7976+3A>T (NM_001432077.1, NM_001406720.1); c.7880+3A>T (NM_001406719.1); c.3044+3A>T (NM_001406721.1); c.1559+3A>T (NM_001406722.1).
Identifiers: ClinVar variation 4826875 (VCV004826875.1).
Genomic context (GRCh38, chr13:32,362,696, plus strand): 5'-AGGAATTTGCTAATAGATGCCTAAGCCCAGAAAGGGTGCTTCTTCAACTAAAATACAGGC[A>T]AGTTTAAAGCATTACATTACGTAATCATATACGGCAGTATGGTTAAGGTTTCTGTGTAGT-3'

ClinVar aggregate classification (germline): Uncertain significance (1 of 4 stars; one submission).

Conditions:
Hereditary cancer-predisposing syndrome. Also called: Neoplastic Syndromes, Hereditary; Tumor predisposition; Hereditary Cancer Syndrome; Hereditary neoplastic syndrome. Identifiers: Orphanet 140162, MedGen C0027672, MeSH D009386, MONDO:0015356.

Submission:

Ambry Genetics
Classification: Uncertain significance for Hereditary cancer-predisposing syndrome. Last evaluated: 2026-02-27. Review status: criteria provided, single submitter. Criteria: Ambry Variant Classification Scheme 2023. Collection method: clinical testing. Allele origin: germline.
Comment: The c.7976+3A>T intronic variant results from an A to T substitution 3 nucleotides after coding exon 16 in the BRCA2 gene. The results from two saturation genome editing-based studies, including a haploid cell-survival assay and a humanized mouse embryonic stem cell line assay of drug response and survival, are discordant for this nucleotide substitution (Huang H et al. Nature. 2025 Feb;638(8050):528-537; Sahu S et al. Nature. 2025 Feb;638(8050):538-545). This nucleotide position is well conserved in available vertebrate species. In silico splice site analysis predicts that this alteration will weaken the native splice donor site. Based on the available evidence, the clinical significance of this variant remains unclear.

Literature cited by the submitters: PubMed 39779848; PubMed 39779857.